The following is an entry in ClinVar:

NM_000088.4(COL1A1):c.2758G>A (p.Gly920Ser)

Gene: COL1A1 (collagen type I alpha 1 chain; minus strand). Cytogenetic location: 17q21.33.
Variant type: single nucleotide variant.
Coding change: c.2758G>A on transcript NM_000088.4 (MANE Select); coding-DNA position 2758, G replaced by A.
Protein change: p.Gly920Ser; replaces glycine 920 with serine.
Molecular consequence: missense variant.
Genome position (GRCh38, 1-based): chr17:50,189,448, C>T on the plus strand (G>A on the coding strand, the complement: COL1A1 is on the minus strand). VCF-style: chr17-50189448-C-T. GRCh37 (hg19) VCF-style: chr17-48266809-C-T.
Other names: short protein forms G920S.
Identifiers: ClinVar variation 1676210 (VCV001676210.1), dbSNP rs2144550235, ClinGen allele CA400205684.

ClinVar aggregate classification (germline): Likely pathogenic (1 of 4 stars; one submission).

Conditions:
Osteogenesis imperfecta (OI). Identifiers: Orphanet 666, MedGen C0029434, MeSH D010013, MONDO:0019019.

Submission:

Institute of Human Genetics, University of Goettingen
Classification: Likely pathogenic for Osteogenesis imperfecta. Last evaluated: 2022-04-01. Review status: criteria provided, single submitter. Criteria: ACMG Guidelines, 2015. Collection method: clinical testing. Allele origin: de novo. Inheritance: Autosomal dominant inheritance. Affected: yes. Observed: 1 heterozygote.
Comment: This variant was found in clinical testing. The variant affects a Glycine residue in the lelical domain of collagen I and it is predicted to be pathogenic by all prediction tools available. The variant was found de novo. ACMG criteria: PS2, PM2, PP2, PP3